The following is an entry in ClinVar:

ClinVar aggregate classification (germline): Uncertain significance (1 of 4 stars; one submission).

Conditions:
Zellweger spectrum disorders (ZS). Also called: Zellweger Spectrum Disorder; Zellweger Spectrum; Zellweger Spectrum Disorder (ZSD); Zellweger syndrome. Identifiers: Orphanet 912, MedGen C0043459, MONDO:0019609.

Submission:

Labcorp Genetics (formerly Invitae), Labcorp
Classification: Uncertain significance for Zellweger spectrum disorders. Last evaluated: 2022-07-15. Review status: criteria provided, single submitter. Criteria: Invitae Variant Classification Sherloc (09022015). Collection method: clinical testing. Allele origin: germline.
Comment: In summary, the available evidence is currently insufficient to determine the role of this variant in disease. Therefore, it has been classified as a Variant of Uncertain Significance. Algorithms developed to predict the effect of missense changes on protein structure and function are either unavailable or do not agree on the potential impact of this missense change (SIFT: "Tolerated"; PolyPhen-2: "Possibly Damaging"; Align-GVGD: "Class C0"). ClinVar contains an entry for this variant (Variation ID: 1381397). This variant has not been reported in the literature in individuals affected with PEX1-related conditions. This variant is not present in population databases (gnomAD no frequency). This sequence change replaces serine, which is neutral and polar, with asparagine, which is neutral and polar, at codon 1132 of the PEX1 protein (p.Ser1132Asn).

NM_000466.3(PEX1):c.3395G>A (p.Ser1132Asn)

Genes: PEX1 (peroxisomal biogenesis factor 1; minus strand), GATAD1 (GATA zinc finger domain containing 1; plus strand). Cytogenetic location: 7q21.2.
Variant type: single nucleotide variant.
Coding change: c.3395G>A on transcript NM_000466.3 (MANE Select); coding-DNA position 3395, G replaced by A.
Protein change: p.Ser1132Asn; replaces serine 1132 with asparagine.
Molecular consequence: missense variant.
Genome position (GRCh38, 1-based): chr7:92,491,315, C>T on the plus strand (G>A on the coding strand, the complement: PEX1 is on the minus strand). VCF-style: chr7-92491315-C-T. GRCh37 (hg19) VCF-style: chr7-92120629-C-T.
Other names: c.3224G>A, p.Ser1075Asn (NM_001282677.2); c.2771G>A, p.Ser924Asn (NM_001282678.2); short protein forms S1075N, S924N, S1132N.
Identifiers: ClinVar variation 1381397 (VCV001381397.6), dbSNP rs2116057948, ClinGen allele CA368163489.